The following is an entry in ClinVar:

NM_000632.4(ITGAM):c.790G>A (p.Asp264Asn)

Genes: ITGAM (integrin subunit alpha M; plus strand), LOC126862332 (BRD4-independent group 4 enhancer GRCh37_chr16:31284654-31285853; plus strand). Cytogenetic location: 16p11.2.
Variant type: single nucleotide variant.
Coding change: c.790G>A on transcript NM_000632.4 (MANE Select); coding-DNA position 790, G replaced by A.
Protein change: p.Asp264Asn; replaces aspartic acid 264 with asparagine.
Molecular consequence: missense variant.
Genome position (GRCh38, 1-based): chr16:31,273,450, G>A. VCF-style: chr16-31273450-G-A. GRCh37 (hg19) VCF-style: chr16-31284771-G-A.
Other names: c.790G>A, p.Asp264Asn (NM_001145808.2); short protein forms D264N.
Identifiers: ClinVar variation 1355397 (VCV001355397.8), dbSNP rs761622995, ClinGen allele CA8025339.

ClinVar aggregate classification (germline): Uncertain significance (1 of 4 stars; one submission).

Allele frequency attached by ClinVar (database versions not stated): ExAC 0.00001; gnomAD exomes 0.00001.

Submission:

Labcorp Genetics (formerly Invitae), Labcorp
Classification: Uncertain significance. Last evaluated: 2021-03-29. Review status: criteria provided, single submitter. Criteria: Invitae Variant Classification Sherloc (09022015). Collection method: clinical testing. Allele origin: germline.
Comment: Algorithms developed to predict the effect of missense changes on protein structure and function are either unavailable or do not agree on the potential impact of this missense change (SIFT: "Deleterious"; PolyPhen-2: "Probably Damaging"; Align-GVGD: "Class C15"). This variant has not been reported in the literature in individuals with ITGAM-related conditions. This variant is present in population databases (rs761622995, ExAC 0.01%). This sequence change replaces aspartic acid with asparagine at codon 264 of the ITGAM protein (p.Asp264Asn). The aspartic acid residue is moderately conserved and there is a small physicochemical difference between aspartic acid and asparagine. In summary, the available evidence is currently insufficient to determine the role of this variant in disease. Therefore, it has been classified as a Variant of Uncertain Significance.